The following is an entry in ClinVar:

ClinVar aggregate classification (germline): Uncertain significance (0 of 4 stars; one submission).

Conditions:
Teebi hypertelorism syndrome 2 (TBHS2). Identifiers: MedGen C5676911, MONDO:0030674, OMIM 619736.

Allele frequency attached by ClinVar (database versions not stated): gnomAD 0.00001; gnomAD exomes 0.00001; TOPMed 0.00001.
gnomAD v4.1: 17 of 1,613,860 alleles (0.0011%); highest among the groups gnomAD compares: East Asian, 0.0022%; no homozygotes.

Submission:

Diagnostics Centre, Carl Von Ossietzky University Oldenburg
Classification: Uncertain significance for Teebi hypertelorism syndrome 2. Last evaluated: 2024-01-18. Review status: no assertion criteria provided. Collection method: clinical testing. Allele origin: germline. Affected: yes. Observed: 1 variant allele.
Comment: The variant CDH11:c.1969C>T, p.(Arg657Cys) which is located in the coding exon 13 of the CDH11 gene, results from a cytosine-to-thymine substitution at nucleotide position c.1969. The arginine at protein position 657 is replaced by cysteine, an amino acid with altered properties. This amino acid position is highly conserved in the available vertebrate species. Furthermore, in silico tools a significance deleterious effect in protein structure and function (REVEL= 0.87). The variant is rare in the overall population (allele frequency=0.00001053 in gnomAD, v4.1.0). In summary, this variant is classified as a variant of unclear significance.

NM_001797.4(CDH11):c.1969C>T (p.Arg657Cys)

Gene: CDH11 (cadherin 11; minus strand). Cytogenetic location: 16q21.
Variant type: single nucleotide variant.
Coding change: c.1969C>T on transcript NM_001797.4 (MANE Select); coding-DNA position 1969, C replaced by T.
Protein change: p.Arg657Cys; replaces arginine 657 with cysteine.
Molecular consequence: missense variant. On other transcripts: 3 prime UTR variant (1).
Genome position (GRCh38, 1-based): chr16:64,948,025, G>A on the plus strand (C>T on the coding strand, the complement: CDH11 is on the minus strand). VCF-style: chr16-64948025-G-A. GRCh37 (hg19) VCF-style: chr16-64981928-G-A.
Other names: c.*66C>T (NM_001308392.2); c.1591C>T, p.Arg531Cys (NM_001330576.2); short protein forms R531C, R657C.
Identifiers: ClinVar variation 3238652 (VCV003238652.2), dbSNP rs1333609650.